The following is an entry in ClinVar:

NM_001366722.1(GRIP1):c.1055G>A (p.Arg352Lys)

Gene: GRIP1 (glutamate receptor interacting protein 1; minus strand). Cytogenetic location: 12q14.3.
Variant type: single nucleotide variant.
Coding change: c.1055G>A on transcript NM_001366722.1 (MANE Select); coding-DNA position 1055, G replaced by A.
Protein change: p.Arg352Lys; replaces arginine 352 with lysine.
Molecular consequence: missense variant. On other transcripts: intron variant (8).
Genome position (GRCh38, 1-based): chr12:66,456,330, C>T on the plus strand (G>A on the coding strand, the complement: GRIP1 is on the minus strand). VCF-style: chr12-66456330-C-T. GRCh37 (hg19) VCF-style: chr12-66850110-C-T.
Other names: c.1133G>A, p.Arg378Lys (NM_001379345.1); c.1055G>A, p.Arg352Lys (NM_001379346.1); c.1046-769G>A (NM_001379351.1); c.1046-766G>A (NM_001379349.1); c.1121-769G>A (NM_001379348.1, NM_001366723.1); c.1121-766G>A (NM_001379347.1, NM_001366724.1); c.1043-766G>A (NM_001178074.2, NM_021150.4); short protein forms R352K, R378K.
Identifiers: ClinVar variation 3031538 (VCV003031538.2), dbSNP rs760742394, ClinGen allele CA6674463.

ClinVar aggregate classification (germline): Likely benign (0 of 4 stars; one submission).

Conditions:
GRIP1-related disorder. Also called: GRIP1-related condition.

Allele frequency attached by ClinVar (database versions not stated): gnomAD exomes 0.00007; gnomAD 0.00036; ExAC 0.00042; TOPMed 0.00053.
gnomAD v4.1: 136 of 1,288,858 alleles (0.011%); highest among the groups gnomAD compares: Middle Eastern, 0.13%; no homozygotes.

Submission:

PreventionGenetics, part of Exact Sciences
Classification: Likely benign for GRIP1-related condition. Last evaluated: 2023-10-06. Review status: no assertion criteria provided. Collection method: clinical testing. Allele origin: germline.
Comment: This variant is classified as likely benign based on ACMG/AMP sequence variant interpretation guidelines (Richards et al. 2015 PMID: 25741868, with internal and published modifications).